The following is an entry in ClinVar:

NM_001048174.2(MUTYH):c.25G>A (p.Gly9Arg)

Gene: MUTYH (mutY DNA glycosylase; minus strand). Cytogenetic location: 1p34.1.
Variant type: single nucleotide variant.
Coding change: c.25G>A on transcript NM_001048174.2 (MANE Select); coding-DNA position 25, G replaced by A.
Protein change: p.Gly9Arg; replaces glycine 9 with arginine.
Molecular consequence: missense variant. On other transcripts: 5 prime UTR variant (7), non-coding transcript variant (7).
Genome position (GRCh38, 1-based): chr1:45,334,481, C>T on the plus strand (G>A on the coding strand, the complement: MUTYH is on the minus strand). VCF-style: chr1-45334481-C-T. GRCh37 (hg19) VCF-style: chr1-45800153-C-T.
Other names: c.25G>A, p.Gly9Arg (NM_001048171.2, NM_001048172.2, NM_001048173.2 and 15 more transcripts); c.67G>A, p.Gly23Arg (NM_001128425.2, NM_001293190.2, NM_012222.3 and 2 more transcripts); c.-188G>A (NM_001293192.2, NM_001407091.1, NM_001293196.2); c.-183G>A (NM_001407082.1, NM_001350651.2); c.43G>A, p.Gly15Arg (NM_001407087.1); c.-247G>A (NM_001350650.2); c.-132G>A (NM_001407075.1); short protein forms G23R, G15R, G9R.
Identifiers: ClinVar variation 4113788 (VCV004113788.1).

ClinVar aggregate classification (germline): Uncertain significance (1 of 4 stars; one submission).

Conditions:
Hereditary cancer-predisposing syndrome. Also called: Hereditary neoplastic syndrome; Neoplastic Syndromes, Hereditary; Tumor predisposition; Hereditary Cancer Syndrome. Identifiers: Orphanet 140162, MedGen C0027672, MeSH D009386, MONDO:0015356.

Submission:

Ambry Genetics
Classification: Uncertain significance for Hereditary cancer-predisposing syndrome. Last evaluated: 2025-08-27. Review status: criteria provided, single submitter. Criteria: Ambry Variant Classification Scheme 2023. Collection method: clinical testing. Allele origin: germline.
Comment: The p.G23R variant (also known as c.67G>A), located in coding exon 2 of the MUTYH gene, results from a G to A substitution at nucleotide position 67. The glycine at codon 23 is replaced by arginine, an amino acid with dissimilar properties. This amino acid position is conserved. In addition, this alteration is predicted to be tolerated by in silico analysis. Based on the available evidence, the clinical significance of this variant remains unclear.